The following is an entry in ClinVar:

NM_023067.4(FOXL2):c.341A>T (p.Lys114Met)

Gene: FOXL2 (forkhead box L2; minus strand). Cytogenetic location: 3q22.3.
Variant type: single nucleotide variant.
Coding change: c.341A>T on transcript NM_023067.4 (MANE Select); coding-DNA position 341, A replaced by T.
Protein change: p.Lys114Met; replaces lysine 114 with methionine.
Molecular consequence: missense variant.
Genome position (GRCh38, 1-based): chr3:138,946,382, T>A on the plus strand (A>T on the coding strand, the complement: FOXL2 is on the minus strand). VCF-style: chr3-138946382-T-A. GRCh37 (hg19) VCF-style: chr3-138665224-T-A.
Other names: short protein forms K114M.
Identifiers: ClinVar variation 3727246 (VCV003727246.2).
Genomic context (GRCh38, chr3:138,946,382, plus strand): 5'-CAGGCCGGGTCCAGCGTCCAGTAGTTGCCCTTGCGCTCGCCGCCGCCCTCGCGCGGCACC[T>A]TGATGAAGCACTCGTTGAGGCTGAGGTTGTGGCGGATGCTATTTTGCCAGCCCTTCTTAT-3'
Protein context (NP_075555.1, residues 104-124): HNLSLNECFI[Lys114Met]VPREGGGERK

ClinVar aggregate classification (germline): Uncertain significance (1 of 4 stars; one submission).

Submission:

Labcorp Genetics (formerly Invitae), Labcorp
Classification: Uncertain significance. Last evaluated: 2025-04-28. Review status: criteria provided, single submitter. Criteria: Invitae Variant Classification Sherloc (09022015). Collection method: clinical testing. Allele origin: germline.
Comment: This sequence change replaces lysine, which is basic and polar, with methionine, which is neutral and non-polar, at codon 114 of the FOXL2 protein (p.Lys114Met). This variant is not present in population databases (gnomAD no frequency). This variant has not been reported in the literature in individuals affected with FOXL2-related conditions. ClinVar contains an entry for this variant (Variation ID: 3727246). An algorithm developed to predict the effect of missense changes on protein structure and function (PolyPhen-2) suggests that this variant is likely to be disruptive. This variant disrupts the p.Lys114 amino acid residue in FOXL2. Other variant(s) that disrupt this residue have been determined to be pathogenic (PMID: 21068205, 30198434). This suggests that this residue is clinically significant, and that variants that disrupt this residue are likely to be disease-causing. In summary, the available evidence is currently insufficient to determine the role of this variant in disease. Therefore, it has been classified as a Variant of Uncertain Significance.

Literature cited by the submitters: PubMed 21068205; PubMed 30198434.